The following is an entry in ClinVar:

NM_001364905.1(LRBA):c.6780+8C>T

Gene: LRBA (LPS responsive beige-like anchor protein; minus strand). Cytogenetic location: 4q31.3.
Variant type: single nucleotide variant.
Coding change: c.6780+8C>T on transcript NM_001364905.1 (MANE Select); 8 bases into the intron after coding-DNA position 6780, C replaced by T.
Molecular consequence: intron variant.
Genome position (GRCh38, 1-based): chr4:150,467,665, G>A on the plus strand (C>T on the coding strand, the complement: LRBA is on the minus strand). VCF-style: chr4-150467665-G-A. GRCh37 (hg19) VCF-style: chr4-151388817-G-A.
Other names: p.?; c.6780+8C>T (NM_001367550.1, NM_001199282.3, NM_001440431.1); c.6813+8C>T (NM_006726.5, NM_001440430.1); c.483+8C>T (NM_001440432.1); c.477+8C>T (NM_001440433.1).
Identifiers: ClinVar variation 776022 (VCV000776022.12), dbSNP rs183029096, ClinGen allele CA3101834.

ClinVar aggregate classification (germline): Likely benign. Review status: criteria provided, multiple submitters, no conflicts (2 of 4 stars). 2 submissions from 2 submitters: Likely benign (2). Last evaluated 2025-12-09.

Conditions:
Combined immunodeficiency due to LRBA deficiency. Also called: Common variable immunodeficiency 8, with autoimmunity. Identifiers: Orphanet 445018, MedGen C3553512, MONDO:0013863, OMIM 614700.

Allele frequency attached by ClinVar (database versions not stated): gnomAD 0.00003; ExAC 0.00009; ESP Exome Variant Server 0.00023; TOPMed 0.00028; 1000 Genomes Project 30x 0.00078; 1000 Genomes Project 0.00080.
gnomAD v4.1: 76 of 1,476,726 alleles (0.0051%); highest among the groups gnomAD compares: African/African-American, 0.065%; no homozygotes.

Submissions (2):

Labcorp Genetics (formerly Invitae), Labcorp
Classification: Likely benign for Combined immunodeficiency due to LRBA deficiency. Last evaluated: 2025-12-09. Review status: criteria provided, single submitter. Criteria: Invitae Variant Classification Sherloc (09022015). Collection method: clinical testing. Allele origin: germline.

Mayo Clinic Laboratories, Mayo Clinic
Classification: Likely benign. Last evaluated: 2025-06-24. Review status: criteria provided, single submitter. Criteria: ACMG Guidelines, 2015. Collection method: clinical testing. Allele origin: germline. Observed: 1 variant allele.
Comment: BP4, BP7